The following is an entry in ClinVar:

NM_007294.4(BRCA1):c.557C>T (p.Ser186Phe)

Gene: BRCA1 (BRCA1 DNA repair associated; minus strand). Cytogenetic location: 17q21.31.
Variant type: single nucleotide variant.
Coding change: c.557C>T on transcript NM_007294.4 (MANE Select); coding-DNA position 557, C replaced by T.
Protein change: p.Ser186Phe; replaces serine 186 with phenylalanine.
Molecular consequence: missense variant. On other transcripts: non-coding transcript variant (1).
Genome position (GRCh38, 1-based): chr17:43,097,280, G>A on the plus strand (C>T on the coding strand, the complement: BRCA1 is on the minus strand). VCF-style: chr17-43097280-G-A. GRCh37 (hg19) VCF-style: chr17-41249297-G-A.
Other names: c.344C>T, p.Ser115Phe (NM_001407571.1, NM_001407853.1, NM_001407894.1 and 12 more transcripts); c.557C>T, p.Ser186Phe (NM_001407581.1, NM_001407582.1, NM_001407583.1 and 59 more transcripts); c.554C>T, p.Ser185Phe (NM_001407587.1, NM_001407590.1, NM_001407591.1 and 41 more transcripts); c.548C>T, p.Ser183Phe (NM_001407646.1, NM_001407647.1, NM_001408408.1); c.479C>T, p.Ser160Phe (NM_001407653.1, NM_001407654.1, NM_001407655.1 and 9 more transcripts); c.476C>T, p.Ser159Phe (NM_001407659.1, NM_001407660.1, NM_001407661.1 and 3 more transcripts); c.416C>T, p.Ser139Phe (NM_001407692.1, NM_001407694.1, NM_001407695.1 and 43 more transcripts); c.413C>T, p.Ser138Phe (NM_001407740.1, NM_001407741.1, NM_001407742.1 and 26 more transcripts); and 4 more; short protein forms S186F, S139F, S115F, S138F, S141F, S59F, S160F, S185F.
Identifiers: ClinVar variation 55636 (VCV000055636.6), dbSNP rs55688530, ClinGen allele CA003733.

ClinVar aggregate classification (germline): Uncertain significance. Review status: criteria provided, single submitter (1 of 4 stars). 3 submissions from 3 submitters: Uncertain significance (1). 2 of the submissions do not count toward it. Last evaluated 2024-04-10.

Conditions:
Familial cancer of breast. Also called: hereditary breast carcinoma; BREAST CANCER, FAMILIAL; Hereditary breast cancer. Identifiers: Orphanet 227535, MedGen C0346153, MONDO:0016419, OMIM 114480. Disease mechanism: loss of function.
Breast-ovarian cancer, familial, susceptibility to, 1 (BROVCA1). Also called: BRCA1 Hereditary Breast and Ovarian Cancer; OVARIAN CANCER, SUSCEPTIBILITY TO. Identifiers: Orphanet 145, MedGen C2676676, MONDO:0011450, OMIM 604370. Disease mechanism: loss of function.
Hereditary breast ovarian cancer syndrome. Also called: BRCA1- and BRCA2-Associated Hereditary Breast and Ovarian Cancer; Hereditary breast and ovarian cancer syndrome; Hereditary breast and ovarian cancer syndrome (HBOC); Breast and ovarian cancer; Hereditary breast and/or ovarian cancer syndrome; Hereditary breast and ovarian cancer. Identifiers: Orphanet 145, MedGen C0677776, MeSH D061325, MONDO:0003582. Disease mechanism: loss of function.

Submissions (3):

Labcorp Genetics (formerly Invitae), Labcorp
Classification: Uncertain significance for Hereditary breast ovarian cancer syndrome. Last evaluated: 2024-04-10. Review status: criteria provided, single submitter. Criteria: Invitae Variant Classification Sherloc (09022015). Collection method: clinical testing. Allele origin: germline.
Comment: This sequence change replaces serine, which is neutral and polar, with phenylalanine, which is neutral and non-polar, at codon 186 of the BRCA1 protein (p.Ser186Phe). This variant is not present in population databases (gnomAD no frequency). This missense change has been observed in individual(s) with BRCA1-related conditions (PMID: 11873550). This variant is also known as c.676C>T (S185F). ClinVar contains an entry for this variant (Variation ID: 55636). Advanced modeling of protein sequence and biophysical properties (such as structural, functional, and spatial information, amino acid conservation, physicochemical variation, residue mobility, and thermodynamic stability) has been performed at Invitae for this missense variant, however the output from this modeling did not meet the statistical confidence thresholds required to predict the impact of this variant on BRCA1 protein function. In summary, the available evidence is currently insufficient to determine the role of this variant in disease. Therefore, it has been classified as a Variant of Uncertain Significance.

Counsyl
Classification: Uncertain significance for Breast-ovarian cancer, familial, susceptibility to, 1. Last evaluated: 2018-02-06. Review status: no assertion criteria provided. Collection method: clinical testing. Allele origin: unknown. Not counted in ClinVar's aggregate classification.

ClinVar Staff, National Center for Biotechnology Information (NCBI)
No classification provided. Condition: Familial cancer of breast. Review status: no classification provided. Collection method: literature only. Allele origin: germline. Affected: yes. Not counted in ClinVar's aggregate classification.

Literature cited by the submitters: PubMed 11873550 (cited by 3 submitters); PubMed 25823446 (cited by Counsyl).